The following is an entry in ClinVar:

ClinVar aggregate classification (germline): Uncertain significance (1 of 4 stars; one submission).

Allele frequency attached by ClinVar (database versions not stated): TOPMed below 0.00001.

Submission:

Labcorp Genetics (formerly Invitae), Labcorp
Classification: Uncertain significance. Last evaluated: 2023-03-04. Review status: criteria provided, single submitter. Criteria: Invitae Variant Classification Sherloc (09022015). Collection method: clinical testing. Allele origin: germline.
Comment: In summary, the available evidence is currently insufficient to determine the role of this variant in disease. Therefore, it has been classified as a Variant of Uncertain Significance. Algorithms developed to predict the effect of missense changes on protein structure and function output the following: SIFT: "Not Available"; PolyPhen-2: "Benign"; Align-GVGD: "Not Available". The phenylalanine amino acid residue is found in multiple mammalian species, which suggests that this missense change does not adversely affect protein function. This variant has not been reported in the literature in individuals affected with ERBB2-related conditions. This variant is not present in population databases (gnomAD no frequency). This sequence change replaces leucine, which is neutral and non-polar, with phenylalanine, which is neutral and non-polar, at codon 561 of the ERBB2 protein (p.Leu561Phe).

NM_004448.4(ERBB2):c.1683G>T (p.Leu561Phe)

Gene: ERBB2 (erb-b2 receptor tyrosine kinase 2; plus strand). Cytogenetic location: 17q12.
Variant type: single nucleotide variant.
Coding change: c.1683G>T on transcript NM_004448.4 (MANE Select); coding-DNA position 1683, G replaced by T.
Protein change: p.Leu561Phe; replaces leucine 561 with phenylalanine.
Molecular consequence: missense variant. On other transcripts: non-coding transcript variant (1), intron variant (1).
Genome position (GRCh38, 1-based): chr17:39,716,551, G>T. VCF-style: chr17-39716551-G-T. GRCh37 (hg19) VCF-style: chr17-37872804-G-T.
Other names: c.1222+1192G>T (NM_001382806.1); c.1683G>T, p.Leu561Phe (NM_001382796.1, NM_001382797.1, NM_001382798.1 and 11 more transcripts); c.1503G>T, p.Leu501Phe (NM_001382799.1); c.1425G>T, p.Leu475Phe (NM_001382802.1); c.855G>T, p.Leu285Phe (NM_001382804.1); c.1593G>T, p.Leu531Phe (NM_001005862.3, NM_001289938.2, NM_001382782.1 and 1 more transcripts); c.1638G>T, p.Leu546Phe (NM_001289936.2); c.1800G>T, p.Leu600Phe (NM_001382784.1, NM_001382786.1); and 4 more; short protein forms L285F, L531F, L501F, L561F, L475F, L571F, L586F, L600F.
Identifiers: ClinVar variation 2997542 (VCV002997542.3), dbSNP rs2059140733, ClinGen allele CA399293664.
Genomic context (GRCh38, chr17:39,716,551, plus strand): 5'-CCTCACCACTGTCCCTTCTCTCAGGCTCCCCAGGGAGTATGTGAATGCCAGGCACTGTTT[G>T]CCGTGCCACCCTGAGTGTCAGCCCCAGAATGGCTCAGTGACCTGTTTTGGACCGGTGAGC-3'
Protein context (NP_004439.2, residues 551-571): PREYVNARHC[Leu561Phe]PCHPECQPQN